The following is an entry in ClinVar:

ClinVar aggregate classification (germline): Likely benign (0 of 4 stars; one submission).

Conditions:
MYO9B-related disorder. Also called: MYO9B-related condition.

Allele frequency attached by ClinVar (database versions not stated): gnomAD exomes 0.00002; TOPMed 0.00002; gnomAD 0.00007; ExAC 0.00014; 1000 Genomes Project 0.00100; 1000 Genomes Project 30x 0.00125.
gnomAD v4.1: 55 of 1,577,348 alleles (0.0035%); highest among the groups gnomAD compares: East Asian, 0.08%; no homozygotes.

Submission:

PreventionGenetics, part of Exact Sciences
Classification: Likely benign for MYO9B-related condition. Last evaluated: 2019-11-16. Review status: no assertion criteria provided. Collection method: clinical testing. Allele origin: germline.
Comment: This variant is classified as likely benign based on ACMG/AMP sequence variant interpretation guidelines (Richards et al. 2015 PMID: 25741868, with internal and published modifications).

NM_004145.4(MYO9B):c.5400G>A (p.Lys1800=)

Gene: MYO9B (myosin IXB; plus strand). Cytogenetic location: 19p13.11.
Variant type: single nucleotide variant.
Coding change: c.5400G>A on transcript NM_004145.4 (MANE Select); coding-DNA position 5400, G replaced by A.
Protein change: p.Lys1800=; no amino-acid change (lysine 1800 retained).
Molecular consequence: synonymous variant.
Genome position (GRCh38, 1-based): chr19:17,206,692, G>A. VCF-style: chr19-17206692-G-A. GRCh37 (hg19) VCF-style: chr19-17317501-G-A.
Other names: c.5400G>A, p.Lys1800= (NM_001130065.2).
Identifiers: ClinVar variation 3049195 (VCV003049195.2), dbSNP rs372943554, ClinGen allele CA9288554.